The following is an entry in ClinVar:

ClinVar aggregate classification (germline): Uncertain significance (1 of 4 stars; one submission).

Allele frequency attached by ClinVar (database versions not stated): gnomAD exomes below 0.00001.
gnomAD v4.1: 2 of 1,614,176 alleles (0.00012%); highest among the groups gnomAD compares: Non-Finnish European, 0.00017%; no homozygotes.

Submission:

GeneDx
Classification: Uncertain significance. Last evaluated: 2023-07-11. Review status: criteria provided, single submitter. Criteria: GeneDx Variant Classification Process June 2021. Collection method: clinical testing. Allele origin: germline. Affected: yes.
Comment: Not observed at significant frequency in large population cohorts (gnomAD); In silico analysis supports that this missense variant has a deleterious effect on protein structure/function; Has not been previously published as pathogenic or benign to our knowledge

NM_213622.4(STAMBP):c.692C>G (p.Pro231Arg)

Gene: STAMBP (STAM binding protein; plus strand). Cytogenetic location: 2p13.1.
Variant type: single nucleotide variant.
Coding change: c.692C>G on transcript NM_213622.4 (MANE Select); coding-DNA position 692, C replaced by G.
Protein change: p.Pro231Arg; replaces proline 231 with arginine.
Molecular consequence: missense variant. On other transcripts: non-coding transcript variant (4).
Genome position (GRCh38, 1-based): chr2:73,847,703, C>G. VCF-style: chr2-73847703-C-G. GRCh37 (hg19) VCF-style: chr2-74074830-C-G.
Other names: c.692C>G, p.Pro231Arg (NM_001353967.2, NM_001353968.2, NM_001353969.2 and 3 more transcripts); c.287C>G, p.Pro96Arg (NM_001353971.2, NM_001353972.2, NM_001353973.2 and 3 more transcripts); short protein forms P231R, P96R.
Identifiers: ClinVar variation 2571984 (VCV002571984.1), dbSNP rs2466597650, ClinGen allele CA347306060.